The following is an entry in ClinVar:

ClinVar aggregate classification (germline): Benign/Likely benign. Review status: criteria provided, multiple submitters, no conflicts (2 of 4 stars). 9 submissions from 9 submitters: Benign (4); Likely benign (2). 3 of the submissions do not count toward it. Last evaluated 2026-01-26.

Conditions:
Cranioectodermal dysplasia 1 (CED1). Also called: LEVIN SYNDROME I. Identifiers: Orphanet 1515, MedGen C0432235, MONDO:0021093, OMIM 218330.
Connective tissue disorder. Also called: Connective tissue disease. Identifiers: MedGen C0009782, MONDO:0003900.

Allele frequency attached by ClinVar (database versions not stated): gnomAD exomes 0.00105 and 0.00257; ExAC 0.00318; 1000 Genomes Project 30x 0.00906; gnomAD 0.00918 and 0.00981; 1000 Genomes Project 0.00919; ESP Exome Variant Server 0.01053; TOPMed 0.01058.
gnomAD v4.1: 3,040 of 1,613,736 alleles (0.19%); highest among the groups gnomAD compares: African/African-American, 3.2%; 27 homozygotes.

Submissions (9):

Labcorp Genetics (formerly Invitae), Labcorp
Classification: Benign for Cranioectodermal dysplasia 1. Last evaluated: 2026-01-26. Review status: criteria provided, single submitter. Criteria: Invitae Variant Classification Sherloc (09022015). Collection method: clinical testing. Allele origin: germline.

Mayo Clinic Laboratories, Mayo Clinic
Classification: Benign. Last evaluated: 2025-06-20. Review status: criteria provided, single submitter. Criteria: ACMG Guidelines, 2015. Collection method: clinical testing. Allele origin: germline. Observed: 1 variant allele.
Comment: BS1, BS2, BP4, BP7

Genome Diagnostics Laboratory, The Hospital for Sick Children
Classification: Benign for Connective tissue disorder. Last evaluated: 2022-04-22. Review status: criteria provided, single submitter. Criteria: ACMG Guidelines, 2015. Collection method: clinical testing. Allele origin: germline.

GeneDx
Classification: Likely benign. Last evaluated: 2021-09-11. Review status: criteria provided, single submitter. Criteria: GeneDx Variant Classification Process June 2021. Collection method: clinical testing. Allele origin: germline. Affected: yes.

Illumina Laboratory Services, Illumina
Classification: Benign for Cranioectodermal dysplasia 1. Last evaluated: 2018-01-13. Review status: criteria provided, single submitter. Criteria: ICSL Variant Classification Criteria 13 December 2019. Collection method: clinical testing. Allele origin: germline.
Comment: This variant was observed in the ICSL laboratory as part of a predisposition screen in an ostensibly healthy population. It had not been previously curated by ICSL or reported in the Human Gene Mutation Database (HGMD: prior to June 1st, 2018), and was therefore a candidate for classification through an automated scoring system. Utilizing variant allele frequency, disease prevalence and penetrance estimates, and inheritance mode, an automated score was calculated to assess if this variant is too frequent to cause the disease. Based on the score and internal cut-off values, a variant classified as benign is not then subjected to further curation. The score for this variant resulted in a classification of benign for this disease.

Breakthrough Genomics
Classification: Likely benign. Review status: criteria provided, single submitter. Criteria: ACMG Guidelines, 2015. Collection method: not provided. Allele origin: germline. Inheritance: Autosomal recessive inheritance. Affected: yes.

Clinical Genetics DNA and cytogenetics Diagnostics Lab, Erasmus MC, Erasmus Medical Center
Classification: Likely benign. Review status: no assertion criteria provided. Collection method: clinical testing. Allele origin: germline. Affected: yes. Study: VKGL Data-share Consensus. Not counted in ClinVar's aggregate classification.

Joint Genome Diagnostic Labs from Nijmegen and Maastricht, Radboudumc and MUMC+
Classification: Benign. Review status: no assertion criteria provided. Collection method: clinical testing. Allele origin: germline. Affected: yes. Study: VKGL Data-share Consensus. Not counted in ClinVar's aggregate classification.

Laboratory of Diagnostic Genome Analysis, Leiden University Medical Center (LUMC)
Classification: Likely benign. Review status: no assertion criteria provided. Collection method: clinical testing. Allele origin: germline. Affected: yes. Study: VKGL Data-share Consensus. Not counted in ClinVar's aggregate classification.

NM_052989.3(IFT122):c.1854C>T (p.Ser618=)

Gene: IFT122 (intraflagellar transport 122; plus strand). Cytogenetic location: 3q21.3.
Variant type: single nucleotide variant.
Coding change: c.1854C>T on transcript NM_052989.3 (MANE Select); coding-DNA position 1854, C replaced by T.
Protein change: p.Ser618=; no amino-acid change (serine 618 retained).
Molecular consequence: synonymous variant.
Genome position (GRCh38, 1-based): chr3:129,488,259, C>T. VCF-style: chr3-129488259-C-T. GRCh37 (hg19) VCF-style: chr3-129207102-C-T.
Other names: p.Ser669=; c.1830C>T, p.Ser610= (NM_001280541.2); c.1404C>T, p.Ser468= (NM_001280545.2); c.1227C>T, p.Ser409= (NM_001280546.2); c.1677C>T, p.Ser559= (NM_018262.4); c.2007C>T, p.Ser669= (NM_052985.4); c.1521C>T, p.Ser507= (NM_052990.3).
Identifiers: ClinVar variation 707440 (VCV000707440.26), dbSNP rs146874343, ClinGen allele CA2606339.